The following is an entry in ClinVar:

ClinVar aggregate classification (germline): Uncertain significance (1 of 4 stars; one submission).

Conditions:
Inborn genetic diseases. Identifiers: MedGen C0950123, MeSH D030342.

Submission:

Ambry Genetics
Classification: Uncertain significance for Inborn genetic diseases. Last evaluated: 2017-07-31. Review status: criteria provided, single submitter. Criteria: Ambry Variant Classification Scheme 2023. Collection method: clinical testing. Allele origin: germline.
Comment: The p.R7G variant (also known as c.19A>G), located in coding exon 1 of the MAN1B1 gene, results from an A to G substitution at nucleotide position 19. The arginine at codon 7 is replaced by glycine, an amino acid with dissimilar properties. This amino acid position is not well conserved in available vertebrate species. In addition, this alteration is predicted to be tolerated by in silico analysis.

NM_016219.5(MAN1B1):c.19A>G (p.Arg7Gly)

Genes: MAN1B1 (mannosidase alpha class 1B member 1; plus strand), LOC130003078 (ATAC-STARR-seq lymphoblastoid active region 29343; plus strand). Cytogenetic location: 9q34.3.
Variant type: single nucleotide variant.
Coding change: c.19A>G on transcript NM_016219.5 (MANE Select); coding-DNA position 19, A replaced by G.
Protein change: p.Arg7Gly; replaces arginine 7 with glycine.
Molecular consequence: missense variant. On other transcripts: non-coding transcript variant (2).
Genome position (GRCh38, 1-based): chr9:137,087,018, A>G. VCF-style: chr9-137087018-A-G. GRCh37 (hg19) VCF-style: chr9-139981470-A-G.
Other names: c.-90A>G (NM_007230.1); short protein forms R7G.
Identifiers: ClinVar variation 1784147 (VCV001784147.2), dbSNP rs2538293983, ClinGen allele CA375670928.
Genomic context (GRCh38, chr9:137,087,018, plus strand): 5'-GTCGCGTATCCGTGTGATGGGCGGGCTGTTGACGGCGCTGCGATGGCTGCCTGCGAGGGC[A>G]GGAGAAGCGGAGCTCTCGGTTCCTCTCAGTCGGACTTCCTGACGCCGCCAGTGGGCGGGG-3'
Protein context (NP_057303.2, residues 1-17): MAACEG[Arg7Gly]RSGALGSSQS